The following is an entry in ClinVar:

NM_000191.3(HMGCL):c.811G>A (p.Gly271Arg)

Gene: HMGCL (3-hydroxy-3-methylglutaryl-CoA lyase; minus strand). Cytogenetic location: 1p36.11.
Variant type: single nucleotide variant.
Coding change: c.811G>A on transcript NM_000191.3 (MANE Select); coding-DNA position 811, G replaced by A.
Protein change: p.Gly271Arg; replaces glycine 271 with arginine.
Molecular consequence: missense variant.
Genome position (GRCh38, 1-based): chr1:23,804,465, C>T on the plus strand (G>A on the coding strand, the complement: HMGCL is on the minus strand). VCF-style: chr1-23804465-C-T. GRCh37 (hg19) VCF-style: chr1-24130955-C-T.
Other names: c.598G>A, p.Gly200Arg (NM_001166059.2); short protein forms G200R, G271R.
Identifiers: ClinVar variation 2154923 (VCV002154923.1), dbSNP rs550489427, ClinGen allele CA685906.

ClinVar aggregate classification (germline): Uncertain significance (1 of 4 stars; one submission).

Conditions:
Deficiency of hydroxymethylglutaryl-CoA lyase (HMGCLD). Also called: HMG-CoA LYASE DEFICIENCY; HMGCL DEFICIENCY; HYDROXYMETHYLGLUTARIC ACIDURIA; Defect in leucine metabolism; 3-hydroxy-3-methylglutaric aciduria. Identifiers: Orphanet 20, MedGen C1533587, MONDO:0009520, OMIM 246450.

Allele frequency attached by ClinVar (database versions not stated): gnomAD 0.00001; ExAC 0.00002; 1000 Genomes Project 30x 0.00016; 1000 Genomes Project 0.00020.
gnomAD v4.1: 13 of 1,614,150 alleles (0.00081%); highest among the groups gnomAD compares: South Asian, 0.012%; no homozygotes.

Submission:

Labcorp Genetics (formerly Invitae), Labcorp
Classification: Uncertain significance for Deficiency of hydroxymethylglutaryl-CoA lyase. Last evaluated: 2022-06-07. Review status: criteria provided, single submitter. Criteria: Invitae Variant Classification Sherloc (09022015). Collection method: clinical testing. Allele origin: germline.
Comment: This sequence change replaces glycine, which is neutral and non-polar, with arginine, which is basic and polar, at codon 271 of the HMGCL protein (p.Gly271Arg). This variant is present in population databases (rs550489427, gnomAD 0.01%). This variant has not been reported in the literature in individuals affected with HMGCL-related conditions. Algorithms developed to predict the effect of missense changes on protein structure and function are either unavailable or do not agree on the potential impact of this missense change (SIFT: "Deleterious"; PolyPhen-2: "Benign"; Align-GVGD: "Class C65"). In summary, the available evidence is currently insufficient to determine the role of this variant in disease. Therefore, it has been classified as a Variant of Uncertain Significance.